The following is an entry in ClinVar:

NM_001458.5(FLNC):c.1915G>T (p.Ala639Ser)

Gene: FLNC (filamin C; plus strand). Cytogenetic location: 7q32.1.
Variant type: single nucleotide variant.
Coding change: c.1915G>T on transcript NM_001458.5 (MANE Select); coding-DNA position 1915, G replaced by T.
Protein change: p.Ala639Ser; replaces alanine 639 with serine.
Molecular consequence: missense variant.
Genome position (GRCh38, 1-based): chr7:128,841,271, G>T. VCF-style: chr7-128841271-G-T. GRCh37 (hg19) VCF-style: chr7-128481325-G-T.
Other names: c.1915G>T, p.Ala639Ser (NM_001127487.2); short protein forms A639S.
Identifiers: ClinVar variation 2925609 (VCV002925609.4), dbSNP rs1175392094, ClinGen allele CA369227356.

ClinVar aggregate classification (germline): Uncertain significance. Review status: criteria provided, multiple submitters, no conflicts (2 of 4 stars). 2 submissions from 2 submitters: Uncertain significance (2). Last evaluated 2025-09-02.

Conditions:
Myofibrillar myopathy 5. Also called: Filaminopathy (type); FILAMINOPATHY, AUTOSOMAL DOMINANT. Identifiers: Orphanet 171445, MedGen C1836050, MONDO:0012289, OMIM 609524.
Hypertrophic cardiomyopathy 26. Also called: Cardiomyopathy, familial hypertrophic, 26. Identifiers: Orphanet 75249, MedGen C4310749, MONDO:0014883, OMIM 617047.
Distal myopathy with posterior leg and anterior hand involvement. Also called: WILLIAMS DISTAL MYOPATHY. Identifiers: Orphanet 63273, MedGen C3279722, MONDO:0013550, OMIM 614065.

Allele frequency attached by ClinVar (database versions not stated): TOPMed 0.00001.
gnomAD v4.1: 3 of 1,614,058 alleles (0.00019%); highest among the groups gnomAD compares: African/African-American, 0.0013%; no homozygotes.

Submissions (2):

Labcorp Genetics (formerly Invitae), Labcorp
Classification: Uncertain significance for Distal myopathy with posterior leg and anterior hand involvement; Myofibrillar myopathy 5; Hypertrophic cardiomyopathy 26. Last evaluated: 2025-09-02. Review status: criteria provided, single submitter. Criteria: Invitae Variant Classification Sherloc (09022015). Collection method: clinical testing. Allele origin: germline.
Comment: This sequence change replaces alanine, which is neutral and non-polar, with serine, which is neutral and polar, at codon 639 of the FLNC protein (p.Ala639Ser). This variant is not present in population databases (gnomAD no frequency). This variant has not been reported in the literature in individuals affected with FLNC-related conditions. ClinVar contains an entry for this variant (Variation ID: 2925609). Invitae Evidence Modeling of protein sequence and biophysical properties (such as structural, functional, and spatial information, amino acid conservation, physicochemical variation, residue mobility, and thermodynamic stability) has been performed for this missense variant. However, the output from this modeling did not meet the statistical confidence thresholds required to predict the impact of this variant on FLNC protein function. In summary, the available evidence is currently insufficient to determine the role of this variant in disease. Therefore, it has been classified as a Variant of Uncertain Significance.

GeneDx
Classification: Uncertain significance. Last evaluated: 2024-08-15. Review status: criteria provided, single submitter. Criteria: GeneDx Variant Classification Process June 2021. Collection method: clinical testing. Allele origin: germline. Affected: yes.
Comment: Not observed at significant frequency in large population cohorts (gnomAD); In silico analysis supports that this missense variant has a deleterious effect on protein structure/function; Has not been previously published as pathogenic or benign to our knowledge